The following is an entry in ClinVar:

NM_001943.5(DSG2):c.1759A>G (p.Thr587Ala)

Gene: DSG2 (desmoglein 2; plus strand). Cytogenetic location: 18q12.1.
Variant type: single nucleotide variant.
Coding change: c.1759A>G on transcript NM_001943.5 (MANE Select); coding-DNA position 1759, A replaced by G.
Protein change: p.Thr587Ala; replaces threonine 587 with alanine.
Molecular consequence: missense variant.
Genome position (GRCh38, 1-based): chr18:31,538,858, A>G. VCF-style: chr18-31538858-A-G. GRCh37 (hg19) VCF-style: chr18-29118821-A-G.
Other names: short protein forms T587A.
Identifiers: ClinVar variation 4614021 (VCV004614021.2).

ClinVar aggregate classification (germline): Uncertain significance. Review status: criteria provided, multiple submitters, no conflicts (2 of 4 stars). 2 submissions from 2 submitters: Uncertain significance (2). Last evaluated 2025-12-01.

Conditions:
Arrhythmogenic right ventricular dysplasia 10. Also called: Arrhythmogenic right ventricular dysplasia/cardiomyopathy, type 10; Arrhythmogenic Right Ventricular Dysplasia/Cardiomyopathy10; ARRHYTHMOGENIC RIGHT VENTRICULAR DYSPLASIA, FAMILIAL, 10. Identifiers: MedGen C1857777, MONDO:0012434, OMIM 610193.
Cardiovascular phenotype. Identifiers: MedGen CN230736.

gnomAD v4.1: 2 of 1,614,188 alleles (0.00012%); highest among the groups gnomAD compares: South Asian, 0.0022%; no homozygotes.

Submissions (2):

Ambry Genetics
Classification: Uncertain significance for Cardiovascular phenotype. Last evaluated: 2025-12-01. Review status: criteria provided, single submitter. Criteria: Ambry Variant Classification Scheme 2023. Collection method: clinical testing. Allele origin: germline.
Comment: The p.T587A variant (also known as c.1759A>G), located in coding exon 12 of the DSG2 gene, results from an A to G substitution at nucleotide position 1759. The threonine at codon 587 is replaced by alanine, an amino acid with similar properties. This amino acid position is conserved. In addition, this alteration is predicted to be tolerated by in silico analysis. Based on the available evidence, the clinical significance of this variant remains unclear.

Labcorp Genetics (formerly Invitae), Labcorp
Classification: Uncertain significance for Arrhythmogenic right ventricular dysplasia 10. Last evaluated: 2025-02-28. Review status: criteria provided, single submitter. Criteria: Invitae Variant Classification Sherloc (09022015). Collection method: clinical testing. Allele origin: germline.
Comment: This sequence change replaces threonine, which is neutral and polar, with alanine, which is neutral and non-polar, at codon 587 of the DSG2 protein (p.Thr587Ala). This variant is present in population databases (rs769554984, gnomAD 0.006%). This variant has not been reported in the literature in individuals affected with DSG2-related conditions. Invitae Evidence Modeling of protein sequence and biophysical properties (such as structural, functional, and spatial information, amino acid conservation, physicochemical variation, residue mobility, and thermodynamic stability) indicates that this missense variant is not expected to disrupt DSG2 protein function with a negative predictive value of 95%. In summary, the available evidence is currently insufficient to determine the role of this variant in disease. Therefore, it has been classified as a Variant of Uncertain Significance.